The following is an entry in ClinVar:

ClinVar aggregate classification (germline): Uncertain significance. Review status: criteria provided, multiple submitters, no conflicts (2 of 4 stars). 5 submissions from 5 submitters: Uncertain significance (5). Last evaluated 2025-08-13.

Conditions:
Primary ciliary dyskinesia 18. Also called: CILIARY DYSKINESIA, PRIMARY, 18, WITH OR WITHOUT SITUS INVERSUS. Identifiers: Orphanet 244, MedGen C3543825, MONDO:0013940, OMIM 614874.
Primary ciliary dyskinesia. Also called: Ciliary dyskinesia. Identifiers: Orphanet 244, MedGen C0008780, MONDO:0016575, HP:0012265.

Allele frequency attached by ClinVar (database versions not stated): gnomAD 0.00003; gnomAD exomes 0.00003 and 0.00006; TOPMed 0.00003; ExAC 0.00007; ESP Exome Variant Server 0.00008.
gnomAD v4.1: 45 of 1,613,850 alleles (0.0028%); highest among the groups gnomAD compares: Admixed American, 0.025%; no homozygotes.

Submissions (5):

Ambry Genetics
Classification: Uncertain significance for Primary ciliary dyskinesia. Last evaluated: 2025-08-13. Review status: criteria provided, single submitter. Criteria: Ambry Variant Classification Scheme 2023. Collection method: clinical testing. Allele origin: germline.

Baylor Genetics
Classification: Uncertain significance for Primary ciliary dyskinesia 18. Last evaluated: 2023-07-25. Review status: criteria provided, single submitter. Criteria: ACMG Guidelines, 2015. Collection method: clinical testing. Allele origin: unknown.

Labcorp Genetics (formerly Invitae), Labcorp
Classification: Uncertain significance for Primary ciliary dyskinesia. Last evaluated: 2022-10-08. Review status: criteria provided, single submitter. Criteria: Invitae Variant Classification Sherloc (09022015). Collection method: clinical testing. Allele origin: germline.
Comment: This sequence change replaces valine, which is neutral and non-polar, with methionine, which is neutral and non-polar, at codon 268 of the DNAAF5 protein (p.Val268Met). This variant is present in population databases (rs370267615, gnomAD 0.04%). This variant has not been reported in the literature in individuals affected with DNAAF5-related conditions. ClinVar contains an entry for this variant (Variation ID: 579022). Advanced modeling of protein sequence and biophysical properties (such as structural, functional, and spatial information, amino acid conservation, physicochemical variation, residue mobility, and thermodynamic stability) performed at Invitae indicates that this missense variant is expected to disrupt DNAAF5 protein function. In summary, the available evidence is currently insufficient to determine the role of this variant in disease. Therefore, it has been classified as a Variant of Uncertain Significance.

Fulgent Genetics
Classification: Uncertain significance for Primary ciliary dyskinesia 18. Last evaluated: 2022-05-06. Review status: criteria provided, single submitter. Criteria: ACMG Guidelines, 2015. Collection method: clinical testing. Allele origin: unknown.

Breakthrough Genomics
Classification: Uncertain significance. Review status: criteria provided, single submitter. Criteria: ACMG Guidelines, 2015. Collection method: not provided. Allele origin: germline. Inheritance: Autosomal recessive inheritance. Affected: yes.

NM_017802.4(DNAAF5):c.802G>A (p.Val268Met)

Gene: DNAAF5 (dynein axonemal assembly factor 5; plus strand). Cytogenetic location: 7p22.3.
Variant type: single nucleotide variant.
Coding change: c.802G>A on transcript NM_017802.4 (MANE Select); coding-DNA position 802, G replaced by A.
Protein change: p.Val268Met; replaces valine 268 with methionine.
Molecular consequence: missense variant. On other transcripts: non-coding transcript variant (1).
Genome position (GRCh38, 1-based): chr7:740,840, G>A. VCF-style: chr7-740840-G-A. GRCh37 (hg19) VCF-style: chr7-780477-G-A.
Other names: short protein forms V268M.
Identifiers: ClinVar variation 579022 (VCV000579022.10), dbSNP rs370267615, ClinGen allele CA4110468.
Genomic context (GRCh38, chr7:740,840, plus strand): 5'-TTGCCTACACGAATCCTTATCCCTTCCTCTCATGCGCAGGTCCGGCGGGCGGTGGCCTCC[G>A]TGGTGGGCGGCTGGCTGCTGTGTCTGCGTGACCGTTACTCCTTCTTCCACAAGCTCATCC-3'
Protein context (NP_060272.3, residues 258-278): VPQVRRAVAS[Val268Met]VGGWLLCLRD